The following is an entry in ClinVar:

NM_001365536.1(SCN9A):c.3315A>T (p.Glu1105Asp)

Genes: SCN9A (sodium voltage-gated channel alpha subunit 9; minus strand), SCN1A-AS1 (SCN1A and SCN9A antisense RNA 1; plus strand). Cytogenetic location: 2q24.3.
Variant type: single nucleotide variant.
Coding change: c.3315A>T on transcript NM_001365536.1 (MANE Select); coding-DNA position 3315, A replaced by T.
Protein change: p.Glu1105Asp; replaces glutamic acid 1105 with aspartic acid.
Molecular consequence: missense variant.
Genome position (GRCh38, 1-based): chr2:166,272,435, T>A on the plus strand (A>T on the coding strand, the complement: SCN9A is on the minus strand). VCF-style: chr2-166272435-T-A. GRCh37 (hg19) VCF-style: chr2-167128945-T-A.
Other names: c.3282A>T, p.Glu1094Asp (NM_002977.4); short protein forms E1094D, E1105D.
Identifiers: ClinVar variation 3755546 (VCV003755546.2).

ClinVar aggregate classification (germline): Uncertain significance (1 of 4 stars; one submission).

Conditions:
Neuropathy, hereditary sensory and autonomic, type 2A (HSAN2A). Also called: MORVAN DISEASE; NEUROPATHY, CONGENITAL SENSORY; NEUROPATHY, HEREDITARY SENSORY RADICULAR, AUTOSOMAL RECESSIVE; NEUROPATHY, HEREDITARY SENSORY, TYPE IIA; NEUROPATHY, PROGRESSIVE SENSORY, OF CHILDREN; ACROOSTEOLYSIS, GIACCAI TYPE. Identifiers: Orphanet 970, MedGen C2752089, MONDO:0024309, OMIM 201300.
Generalized epilepsy with febrile seizures plus, type 7 (GEFSP7). Also called: GEFS+, TYPE 7. Identifiers: Orphanet 36387, MedGen C2751778, MONDO:0013470, OMIM 613863.

Submission:

Labcorp Genetics (formerly Invitae), Labcorp
Classification: Uncertain significance for Neuropathy, hereditary sensory and autonomic, type 2A; Generalized epilepsy with febrile seizures plus, type 7. Last evaluated: 2024-03-27. Review status: criteria provided, single submitter. Criteria: Invitae Variant Classification Sherloc (09022015). Collection method: clinical testing. Allele origin: germline.
Comment: This sequence change replaces glutamic acid, which is acidic and polar, with aspartic acid, which is acidic and polar, at codon 1094 of the SCN9A protein (p.Glu1094Asp). This variant is not present in population databases (gnomAD no frequency). This variant has not been reported in the literature in individuals affected with SCN9A-related conditions. Advanced modeling of protein sequence and biophysical properties (such as structural, functional, and spatial information, amino acid conservation, physicochemical variation, residue mobility, and thermodynamic stability) performed at Invitae indicates that this missense variant is not expected to disrupt SCN9A protein function with a negative predictive value of 95%. In summary, the available evidence is currently insufficient to determine the role of this variant in disease. Therefore, it has been classified as a Variant of Uncertain Significance.